The following is an entry in ClinVar:

ClinVar aggregate classification (germline): Uncertain significance (1 of 4 stars; one submission).

Submission:

ARUP Laboratories, Molecular Genetics and Genomics, ARUP Laboratories
Classification: Uncertain significance. Last evaluated: 2018-01-30. Review status: criteria provided, single submitter. Criteria: ARUP Molecular Germline Variant Investigation Process. Collection method: clinical testing. Allele origin: germline.
Comment: The PTPRC c.3465A>C; p.Glu1155Asp variant, to our knowledge, is not reported in the medical literature, gene specific variation databases, nor has it been previously identified by our laboratory. This variant is absent from the general population databases (1000 Genomes Project, Exome Variant Server, Genome Aggregation Database), indicating it is not a common. The glutamic acid at position 1155 is moderately conserved, considering 12 species, and computational analyses of the effects of the p.Glu1155Aspvariant on protein structure and function make conflicting predictions (SIFT: tolerated, PolyPhen-2: possibly damaging). Based on the available information, the clinical significance of the p.Glu1155Asp variant cannot be determined with certainty.

NM_002838.5(PTPRC):c.3465A>C (p.Glu1155Asp)

Gene: PTPRC (protein tyrosine phosphatase receptor type C; plus strand). Cytogenetic location: 1q32.1.
Variant type: single nucleotide variant.
Coding change: c.3465A>C on transcript NM_002838.5 (MANE Select); coding-DNA position 3465, A replaced by C.
Protein change: p.Glu1155Asp; replaces glutamic acid 1155 with aspartic acid.
Molecular consequence: missense variant.
Genome position (GRCh38, 1-based): chr1:198,752,728, A>C. VCF-style: chr1-198752728-A-C. GRCh37 (hg19) VCF-style: chr1-198721857-A-C.
Other names: c.2982A>C, p.Glu994Asp (NM_080921.4); short protein forms E1155D, E994D.
Identifiers: ClinVar variation 618853 (VCV000618853.8), dbSNP rs1558041011, ClinGen allele CA344054922.